The following is an entry in ClinVar:

ClinVar aggregate classification (germline): Uncertain significance (1 of 4 stars; one submission).

Conditions:
AUTS2-related disorder. Also called: AUTS2-related condition.

Submission:

PreventionGenetics, part of Exact Sciences
Classification: Uncertain significance for AUTS2-related condition. Last evaluated: 2025-06-18. Review status: criteria provided, single submitter. Criteria: ACMG Guidelines, 2015. Collection method: clinical testing. Allele origin: germline.
Comment: The AUTS2 c.1072G>T variant is predicted to result in the amino acid substitution p.Val358Leu. To our knowledge, this variant has not been reported in the literature or in a large population database (gnomAD), indicating this variant is rare. At this time, the clinical significance of this variant is uncertain due to the absence of conclusive functional and genetic evidence.

NM_015570.4(AUTS2):c.1072G>T (p.Val358Leu)

Gene: AUTS2 (activator of transcription and developmental regulator AUTS2; plus strand). Cytogenetic location: 7q11.22.
Variant type: single nucleotide variant.
Coding change: c.1072G>T on transcript NM_015570.4 (MANE Select); coding-DNA position 1072, G replaced by T.
Protein change: p.Val358Leu; replaces valine 358 with leucine.
Molecular consequence: missense variant.
Genome position (GRCh38, 1-based): chr7:70,763,199, G>T. VCF-style: chr7-70763199-G-T. GRCh37 (hg19) VCF-style: chr7-70228185-G-T.
Other names: c.1072G>T, p.Val358Leu (NM_001127231.3); short protein forms V358L.
Identifiers: ClinVar variation 4999060 (VCV004999060.1).